The following is an entry in ClinVar:

ClinVar aggregate classification (germline): Uncertain significance (1 of 4 stars; one submission).

Conditions:
Epileptic encephalopathy. Identifiers: MedGen C0543888, HP:0200134.

Allele frequency attached by ClinVar (database versions not stated): gnomAD 0.00001; gnomAD exomes 0.00001.
gnomAD v4.1: 18 of 1,609,148 alleles (0.0011%); highest among the groups gnomAD compares: Admixed American, 0.0034%; no homozygotes.

Submission:

Labcorp Genetics (formerly Invitae), Labcorp
Classification: Uncertain significance for Epileptic encephalopathy. Last evaluated: 2019-09-19. Review status: criteria provided, single submitter. Criteria: Invitae Variant Classification Sherloc (09022015). Collection method: clinical testing. Allele origin: germline.
Comment: In summary, the available evidence is currently insufficient to determine the role of this variant in disease. Therefore, it has been classified as a Variant of Uncertain Significance. Algorithms developed to predict the effect of missense changes on protein structure and function are either unavailable or do not agree on the potential impact of this missense change (SIFT: "Deleterious"; PolyPhen-2: "Possibly Damaging"; Align-GVGD: "Class C0"). This variant has not been reported in the literature in individuals with RYR3-related conditions. This variant is not present in population databases (ExAC no frequency). This sequence change replaces valine with methionine at codon 1568 of the RYR3 protein (p.Val1568Met). The valine residue is highly conserved and there is a small physicochemical difference between valine and methionine.

NM_001036.6(RYR3):c.4702G>A (p.Val1568Met)

Gene: RYR3 (ryanodine receptor 3; plus strand). Cytogenetic location: 15q14.
Variant type: single nucleotide variant.
Coding change: c.4702G>A on transcript NM_001036.6 (MANE Select); coding-DNA position 4702, G replaced by A.
Protein change: p.Val1568Met; replaces valine 1568 with methionine.
Molecular consequence: missense variant.
Genome position (GRCh38, 1-based): chr15:33,662,232, G>A. VCF-style: chr15-33662232-G-A. GRCh37 (hg19) VCF-style: chr15-33954433-G-A.
Other names: c.4702G>A, p.Val1568Met (NM_001243996.4); short protein forms V1568M.
Identifiers: ClinVar variation 961736 (VCV000961736.9), dbSNP rs1282040806, ClinGen allele CA391568627.